The following is an entry in ClinVar:

ClinVar aggregate classification (germline): Conflicting classifications of pathogenicity. Review status: criteria provided, conflicting classifications (1 of 4 stars). 4 submissions from 4 submitters: Uncertain significance (1); Likely benign (3). Last evaluated 2026-04-22.

Conditions:
Type 2 diabetes mellitus. Also called: Type II diabetes mellitus. Identifiers: MedGen C0011860, MeSH D003924, MONDO:0005148, OMIM 125853, HP:0005978.
Arterial calcification, generalized, of infancy, 1 (GACI1). Also called: Idiopathic Infantile Arterial Calcification. Identifiers: Orphanet 51608, MedGen C4551985, MONDO:0008817, OMIM 208000.
Hypopigmentation-punctate palmoplantar keratoderma syndrome. Also called: GUTTATE HYPOPIGMENTATION AND PUNCTATE PALMOPLANTAR KERATODERMA WITH OR WITHOUT ECTOPIC CALCIFICATION; Cole disease. Identifiers: Orphanet 324561, MedGen C3809781, MONDO:0014227, OMIM 615522.
Hypophosphatemic rickets, autosomal recessive, 2 (ARHR2). Identifiers: Orphanet 289176, MedGen C2750078, MONDO:0013219, OMIM 613312.
Inherited obesity. Also called: Monogenic Obesity. Identifiers: Orphanet 77828, MedGen C4054476, MONDO:0019182, OMIM 601665.
Inborn genetic diseases. Identifiers: MedGen C0950123, MeSH D030342.

Allele frequency attached by ClinVar (database versions not stated): ESP Exome Variant Server 0.00015; gnomAD 0.00016; 1000 Genomes Project 0.00020; ExAC 0.00021; gnomAD exomes 0.00026; TOPMed 0.00027; 1000 Genomes Project 30x 0.00031.

Submissions (4):

Women's Health and Genetics/Laboratory Corporation of America, LabCorp
Classification: Uncertain significance. Last evaluated: 2026-04-22. Review status: criteria provided, single submitter. Criteria: LabCorp Variant Classification Summary - May 2015. Collection method: clinical testing. Allele origin: germline.
Comment: Variant summary: ENPP1 c.2114C>T (p.Thr705Met) results in a non-conservative amino acid change located in the Extracellular Endonuclease, subunit A domain (IPR044929) of the encoded protein sequence. Algorithms developed to predict the effect of missense changes on protein structure and function are either unavailable or do not agree on the potential impact of this missense change. The variant allele was found at a frequency of 0.00026 in 251268 control chromosomes. This frequency is not significantly higher than estimated for disease-causing variants in ENPP1, allowing no conclusion about variant significance. c.2114C>T has been observed in the heterozygous state in a cohort of individuals affected with palmoplantar keratoderma (example: Harjama_2021). This report does not provide unequivocal conclusions about association of the variant with ENPP1-Related Disorders. To our knowledge, no experimental evidence demonstrating an impact on protein function has been reported. The following publication has been ascertained in the context of this evaluation (PMID: 33914963). ClinVar contains an entry for this variant (Variation ID: 1431808). Based on the evidence outlined above, the variant was classified as uncertain significance.

Labcorp Genetics (formerly Invitae), Labcorp
Classification: Likely benign. Last evaluated: 2025-12-16. Review status: criteria provided, single submitter. Criteria: Invitae Variant Classification Sherloc (09022015). Collection method: clinical testing. Allele origin: germline.

Fulgent Genetics
Classification: Likely benign for Type 2 diabetes mellitus; Arterial calcification, generalized, of infancy, 1; Inherited obesity; Hypophosphatemic rickets, autosomal recessive, 2; Hypopigmentation-punctate palmoplantar keratoderma syndrome. Last evaluated: 2024-02-15. Review status: criteria provided, single submitter. Criteria: ACMG Guidelines, 2015. Collection method: clinical testing. Allele origin: germline.

Ambry Genetics
Classification: Likely benign for Inborn genetic diseases. Last evaluated: 2021-08-02. Review status: criteria provided, single submitter. Criteria: Ambry Variant Classification Scheme 2023. Collection method: clinical testing. Allele origin: germline.

Literature cited by the submitters: PubMed 33914963 (cited by Women's Health and Genetics/Laboratory Corporation of America, LabCorp).

NM_006208.3(ENPP1):c.2114C>T (p.Thr705Met)

Gene: ENPP1 (ectonucleotide pyrophosphatase/phosphodiesterase 1; plus strand). Cytogenetic location: 6q23.2.
Variant type: single nucleotide variant.
Coding change: c.2114C>T on transcript NM_006208.3 (MANE Select); coding-DNA position 2114, C replaced by T.
Protein change: p.Thr705Met; replaces threonine 705 with methionine.
Molecular consequence: missense variant.
Genome position (GRCh38, 1-based): chr6:131,882,358, C>T. VCF-style: chr6-131882358-C-T. GRCh37 (hg19) VCF-style: chr6-132203498-C-T.
Other names: c.2114C>T (NM_006208.2); short protein forms T705M.
Identifiers: ClinVar variation 1431808 (VCV001431808.12), dbSNP rs138032713, ClinGen allele CA4002436.
Genomic context (GRCh38, chr6:131,882,358, plus strand): 5'-TTCTCTGTGCCTGATATCTGAGAGTTCTTCTCATTTTCGTTCTTCAGGACAGTTTCTCTA[C>T]GGAAGACTTCTCCAACTGTCTGTACCAGGACTTTAGAATTCCTCTTAGTCCTGTCCATAA-3'
Protein context (NP_006199.2, residues 695-715): YTVDRNDSFS[Thr705Met]EDFSNCLYQD